The following is an entry in ClinVar:

ClinVar aggregate classification (germline): Uncertain significance (1 of 4 stars; one submission).

Conditions:
Loeys-Dietz syndrome 2 (LDS2). Also called: TGFBR2-Related Loeys-Dietz Syndrome; AORTIC ANEURYSM, FAMILIAL THORACIC 3; MARFAN SYNDROME, TYPE II; Marfan Syndrome type 2; Marfan like connective tissue disorder; MFS 2. Identifiers: Orphanet 284973, Orphanet 558, MedGen C2674574, MONDO:0012427, OMIM 610168.

gnomAD v4.1: 3 of 1,609,604 alleles (0.00019%); highest among the groups gnomAD compares: Non-Finnish European, 0.00026%; no homozygotes.

Submission:

Labcorp Genetics (formerly Invitae), Labcorp
Classification: Uncertain significance for Loeys-Dietz syndrome 2. Last evaluated: 2023-08-10. Review status: criteria provided, single submitter. Criteria: Invitae Variant Classification Sherloc (09022015). Collection method: clinical testing. Allele origin: germline.
Comment: In summary, the available evidence is currently insufficient to determine the role of this variant in disease. Therefore, it has been classified as a Variant of Uncertain Significance. Advanced modeling of protein sequence and biophysical properties (such as structural, functional, and spatial information, amino acid conservation, physicochemical variation, residue mobility, and thermodynamic stability) performed at Invitae indicates that this missense variant is not expected to disrupt TMPO protein function. This variant has not been reported in the literature in individuals affected with TMPO-related conditions. This variant is not present in population databases (gnomAD no frequency). This sequence change replaces leucine, which is neutral and non-polar, with valine, which is neutral and non-polar, at codon 604 of the TMPO protein (p.Leu604Val).

NM_001032283.3(TMPO):c.565+2229C>G

Gene: TMPO (thymopoietin; plus strand). Cytogenetic location: 12q23.1.
Variant type: single nucleotide variant.
Coding change: c.565+2229C>G on transcript NM_001032283.3 (MANE Select); 2229 bases into the intron after coding-DNA position 565, C replaced by G.
Molecular consequence: intron variant. On other transcripts: missense variant (1).
Genome position (GRCh38, 1-based): chr12:98,534,067, C>G. VCF-style: chr12-98534067-C-G. GRCh37 (hg19) VCF-style: chr12-98927845-C-G.
Other names: c.1810C>G, p.Leu604Val (NM_003276.2); c.565+2229C>G (NM_001307975.2, NM_001032284.3); short protein forms L604V.
Identifiers: ClinVar variation 2846474 (VCV002846474.3), dbSNP rs1191424030, ClinGen allele CA386153985.